The following is an entry in ClinVar:

NM_004463.3(FGD1):c.1105A>G (p.Thr369Ala)

Gene: FGD1 (FYVE, RhoGEF and PH domain containing 1; minus strand). Cytogenetic location: Xp11.22.
Variant type: single nucleotide variant.
Coding change: c.1105A>G on transcript NM_004463.3 (MANE Select); coding-DNA position 1105, A replaced by G.
Protein change: p.Thr369Ala; replaces threonine 369 with alanine.
Molecular consequence: missense variant.
Genome position (GRCh38, 1-based): chrX:54,468,873, T>C on the plus strand (A>G on the coding strand, the complement: FGD1 is on the minus strand). VCF-style: chrX-54468873-T-C. GRCh37 (hg19) VCF-style: chrX-54495306-T-C.
Other names: short protein forms T369A.
Identifiers: ClinVar variation 2724295 (VCV002724295.3), dbSNP rs2522713243, ClinGen allele CA413247367.

ClinVar aggregate classification (germline): Uncertain significance (1 of 4 stars; one submission).

Submission:

Labcorp Genetics (formerly Invitae), Labcorp
Classification: Uncertain significance. Last evaluated: 2023-06-30. Review status: criteria provided, single submitter. Criteria: Invitae Variant Classification Sherloc (09022015). Collection method: clinical testing. Allele origin: germline.
Comment: In summary, the available evidence is currently insufficient to determine the role of this variant in disease. Therefore, it has been classified as a Variant of Uncertain Significance. Advanced modeling of protein sequence and biophysical properties (such as structural, functional, and spatial information, amino acid conservation, physicochemical variation, residue mobility, and thermodynamic stability) performed at Invitae indicates that this missense variant is not expected to disrupt FGD1 protein function. This variant has not been reported in the literature in individuals affected with FGD1-related conditions. This variant is not present in population databases (gnomAD no frequency). This sequence change replaces threonine, which is neutral and polar, with alanine, which is neutral and non-polar, at codon 369 of the FGD1 protein (p.Thr369Ala).